The following is an entry in ClinVar:

ClinVar aggregate classification (germline): Uncertain significance. Review status: criteria provided, multiple submitters, no conflicts (2 of 4 stars). 3 submissions from 3 submitters: Uncertain significance (3). Last evaluated 2024-09-06.

Allele frequency attached by ClinVar (database versions not stated): ExAC 0.00002; gnomAD exomes 0.00004; TOPMed 0.00005; gnomAD 0.00007; ESP Exome Variant Server 0.00023.
gnomAD v4.1: 85 of 1,613,664 alleles (0.0053%); highest among the groups gnomAD compares: Middle Eastern, 0.016%; no homozygotes.

Submissions (3):

Blueprint Genetics
Classification: Uncertain significance. Last evaluated: 2024-09-06. Review status: criteria provided, single submitter. Criteria: ACMG Guidelines, 2015. Collection method: clinical testing. Allele origin: germline.

Labcorp Genetics (formerly Invitae), Labcorp
Classification: Uncertain significance. Last evaluated: 2022-10-13. Review status: criteria provided, single submitter. Criteria: Invitae Variant Classification Sherloc (09022015). Collection method: clinical testing. Allele origin: germline.
Comment: This sequence change replaces threonine, which is neutral and polar, with methionine, which is neutral and non-polar, at codon 274 of the OTOA protein (p.Thr274Met). This variant is present in population databases (rs145435704, gnomAD 0.008%). This variant has not been reported in the literature in individuals affected with OTOA-related conditions. ClinVar contains an entry for this variant (Variation ID: 1176346). Algorithms developed to predict the effect of missense changes on protein structure and function output the following: SIFT: "Tolerated"; PolyPhen-2: "Benign"; Align-GVGD: "Class C0". The methionine amino acid residue is found in multiple mammalian species, which suggests that this missense change does not adversely affect protein function. In summary, the available evidence is currently insufficient to determine the role of this variant in disease. Therefore, it has been classified as a Variant of Uncertain Significance.

CeGaT Center for Human Genetics Tuebingen
Classification: Uncertain significance. Last evaluated: 2021-05-01. Review status: criteria provided, single submitter. Criteria: CeGaT Center For Human Genetics Tuebingen Variant Classification Criteria Version 2. Collection method: clinical testing. Allele origin: germline. Affected: yes. Observed: 1 variant allele.

NM_144672.4(OTOA):c.821C>T (p.Thr274Met)

Gene: OTOA (otoancorin). Cytogenetic location: 16p12.2.
Variant type: single nucleotide variant.
Coding change: c.821C>T on transcript NM_144672.4 (MANE Select); coding-DNA position 821, C replaced by T.
Protein change: p.Thr274Met; replaces threonine 274 with methionine.
Molecular consequence: missense variant.
Genome position (GRCh38, 1-based): chr16:21,697,856, C>T. VCF-style: chr16-21697856-C-T. GRCh37 (hg19) VCF-style: chr16-21709177-C-T.
Other names: c.584C>T, p.Thr195Met (NM_001161683.2); short protein forms T195M, T274M.
Identifiers: ClinVar variation 1176346 (VCV001176346.38), dbSNP rs145435704, ClinGen allele CA7952429.
Genomic context (GRCh38, chr16:21,697,856, plus strand): 5'-GTGCGGAACACTTATGGGTTTTGGGCAGATACATGGTTCACCTATCGTTTGAAGAAATTA[C>T]GAAAATTAGTCCTATAGAAGTAAGTTGGAAAAGTACATTTATATGTCACCATTACTAATA-3'
Protein context (NP_653273.3, residues 264-284): YMVHLSFEEI[Thr274Met]KISPIEIGLF